The following is an entry in ClinVar:

NM_177924.5(ASAH1):c.*368C>T

Gene: ASAH1 (N-acylsphingosine amidohydrolase 1; minus strand). Cytogenetic location: 8p22.
Variant type: single nucleotide variant.
Coding change: c.*368C>T on transcript NM_177924.5 (MANE Select); 368 bases downstream of the stop codon, C replaced by T.
Molecular consequence: 3 prime UTR variant.
Genome position (GRCh38, 1-based): chr8:18,057,166, G>A on the plus strand (C>T on the coding strand, the complement: ASAH1 is on the minus strand). VCF-style: chr8-18057166-G-A. GRCh37 (hg19) VCF-style: chr8-17914675-G-A.
Other names: c.*368C>T (NM_001127505.3, NM_001363743.2, NM_004315.6).
Identifiers: ClinVar variation 362362 (VCV000362362.5), dbSNP rs17126181, ClinGen allele CA10630527.

ClinVar aggregate classification (germline): Likely benign (1 of 4 stars; one submission).

Conditions:
Farber lipogranulomatosis (FRBRL). Also called: Farber's lipogranulomatosis; Farber's disease; Farber disease; AC DEFICIENCY; ACID CERAMIDASE DEFICIENCY; CERAMIDASE DEFICIENCY. Identifiers: Orphanet 333, MedGen C0268255, MONDO:0009218, OMIM 228000.

Allele frequency attached by ClinVar (database versions not stated): gnomAD exomes 0.00054; 1000 Genomes Project 0.00260; 1000 Genomes Project 30x 0.00344; gnomAD 0.00424 and 0.00464; TOPMed 0.00491.
gnomAD v4.1: 689 of 237,490 alleles (0.29%); highest among the groups gnomAD compares: African/African-American, 1.4%; 7 homozygotes.

Submission:

Illumina Laboratory Services, Illumina
Classification: Likely benign for Farber lipogranulomatosis. Last evaluated: 2018-01-13. Review status: criteria provided, single submitter. Criteria: ICSL Variant Classification Criteria 13 December 2019. Collection method: clinical testing. Allele origin: germline.
Comment: This variant was observed in the ICSL laboratory as part of a predisposition screen in an ostensibly healthy population. It had not been previously curated by ICSL or reported in the Human Gene Mutation Database (HGMD: prior to June 1st, 2018), and was therefore a candidate for classification through an automated scoring system. Utilizing variant allele frequency, disease prevalence and penetrance estimates, and inheritance mode, an automated score was calculated to assess if this variant is too frequent to cause the disease. Based on the score and internal cut-off values, a variant classified as likely benign is not then subjected to further curation. The score for this variant resulted in a classification of likely benign for this disease.